The following is an entry in ClinVar:

ClinVar aggregate classification (germline): Uncertain significance (1 of 4 stars; one submission).

Allele frequency attached by ClinVar (database versions not stated): gnomAD exomes below 0.00001; gnomAD 0.00001 and 0.00002; TOPMed 0.00002; 1000 Genomes Project 30x 0.00016; 1000 Genomes Project 0.00020.
gnomAD v4.1: 3 of 1,614,020 alleles (0.00019%); highest among the groups gnomAD compares: Admixed American, 0.0033%; no homozygotes.

Submission:

Labcorp Genetics (formerly Invitae), Labcorp
Classification: Uncertain significance. Last evaluated: 2021-10-21. Review status: criteria provided, single submitter. Criteria: Invitae Variant Classification Sherloc (09022015). Collection method: clinical testing. Allele origin: germline.
Comment: This missense change has been observed in individual(s) with chronic urticaria and angioedema (PMID: 29682366). This variant is not present in population databases (ExAC no frequency). This sequence change replaces arginine with glutamine at codon 22 of the TNFAIP3 protein (p.Arg22Gln). The arginine residue is highly conserved and there is a small physicochemical difference between arginine and glutamine. In summary, the available evidence is currently insufficient to determine the role of this variant in disease. Therefore, it has been classified as a Variant of Uncertain Significance. Algorithms developed to predict the effect of missense changes on protein structure and function are either unavailable or do not agree on the potential impact of this missense change (SIFT: "Tolerated"; PolyPhen-2: "Probably Damaging"; Align-GVGD: "Class C0").

Literature cited by the submitters: PubMed 29682366.

NM_001270508.2(TNFAIP3):c.65G>A (p.Arg22Gln)

Gene: TNFAIP3 (TNF alpha induced protein 3; plus strand). Cytogenetic location: 6q23.3.
Variant type: single nucleotide variant.
Coding change: c.65G>A on transcript NM_001270508.2 (MANE Select); coding-DNA position 65, G replaced by A.
Protein change: p.Arg22Gln; replaces arginine 22 with glutamine.
Molecular consequence: missense variant.
Genome position (GRCh38, 1-based): chr6:137,871,292, G>A. VCF-style: chr6-137871292-G-A. GRCh37 (hg19) VCF-style: chr6-138192429-G-A.
Other names: c.65G>A, p.Arg22Gln (NM_001270507.2, NM_006290.4); short protein forms R22Q.
Identifiers: ClinVar variation 1399375 (VCV001399375.6), dbSNP rs199876928, ClinGen allele CA148256917.